The following is an entry in ClinVar:

NM_000112.4(SLC26A2):c.1968del (p.Gln657fs)

Gene: SLC26A2 (solute carrier family 26 member 2; plus strand). Cytogenetic location: 5q32.
Variant type: Deletion.
Coding change: c.1968del on transcript NM_000112.4 (MANE Select); coding-DNA position 1968, one base deleted (T; older notation c.1968delT).
Protein change: p.Gln657fs; shifts the reading frame from glutamine 657.
Molecular consequence: frameshift variant.
Genome position (GRCh38, 1-based): chr5:149,981,561, T deleted; the last of 2 consecutive T bases (chr5:149,981,560-149,981,561); deleting either gives the same sequence. VCF-style (leftmost placement, unchanged base first): chr5-149981559-AT-A. GRCh37 (hg19) VCF-style: chr5-149361122-AT-A.
Other names: short protein forms Q657fs.
Identifiers: ClinVar variation 2947558 (VCV002947558.3), dbSNP rs2480777667, ClinGen allele CA2740094150.

ClinVar aggregate classification (germline): Pathogenic (1 of 4 stars; one submission).

Conditions:
Achondrogenesis, type IB (ACG1B). Also called: Achondrogenesis Type 1B. Identifiers: Orphanet 932, Orphanet 93298, MedGen C0265274, MONDO:0010966, OMIM 600972.
Diastrophic dysplasia (DTD). Also called: Diastrophic dwarfism. Identifiers: Orphanet 628, MedGen C0220726, MONDO:0009107, OMIM 222600.
Multiple epiphyseal dysplasia type 4 (EDM4). Also called: Multiple Epiphyseal Dysplasia, Recessive; MULTIPLE EPIPHYSEAL DYSPLASIA WITH BILAYERED PATELLAE; MULTIPLE EPIPHYSEAL DYSPLASIA WITH CLUBFOOT; MULTIPLE EPIPHYSEAL DYSPLASIA, AUTOSOMAL RECESSIVE; SLC26A2-Related Multiple Epiphyseal Dysplasia. Identifiers: Orphanet 93307, MedGen C1847593, MONDO:0009189, OMIM 226900.
Atelosteogenesis type II (AO2). Also called: NEONATAL OSSEOUS DYSPLASIA I; Neonatal osseous dysplasia 1; SLC26A2-Related Atelosteogenesis. Identifiers: Orphanet 56304, MedGen C1850554, MONDO:0009727, OMIM 256050.

Submission:

Labcorp Genetics (formerly Invitae), Labcorp
Classification: Pathogenic for Atelosteogenesis type II; Multiple epiphyseal dysplasia type 4; Achondrogenesis, type IB; Diastrophic dysplasia. Last evaluated: 2023-05-08. Review status: criteria provided, single submitter. Criteria: Invitae Variant Classification Sherloc (09022015). Collection method: clinical testing. Allele origin: germline.
Comment: For these reasons, this variant has been classified as Pathogenic. This variant disrupts a region of the SLC26A2 protein in which other variant(s) (p.Ala715Val) have been determined to be pathogenic (PMID: 11448940, 15294877, 21077204). This suggests that this is a clinically significant region of the protein, and that variants that disrupt it are likely to be disease-causing. This variant has not been reported in the literature in individuals affected with SLC26A2-related conditions. This variant is not present in population databases (gnomAD no frequency). This sequence change creates a premature translational stop signal (p.Gln657Asnfs*3) in the SLC26A2 gene. While this is not anticipated to result in nonsense mediated decay, it is expected to disrupt the last 83 amino acid(s) of the SLC26A2 protein.

Literature cited by the submitters: PubMed 11448940; PubMed 15294877; PubMed 21077204.